The following is an entry in ClinVar:

NM_001371986.1(UNC80):c.6995G>A (p.Arg2332Gln)

Gene: UNC80 (unc-80 subunit of NALCN channel complex; plus strand). Cytogenetic location: 2q34.
Variant type: single nucleotide variant.
Coding change: c.6995G>A on transcript NM_001371986.1 (MANE Select); coding-DNA position 6995, G replaced by A.
Protein change: p.Arg2332Gln; replaces arginine 2332 with glutamine.
Molecular consequence: missense variant.
Genome position (GRCh38, 1-based): chr2:209,943,459, G>A. VCF-style: chr2-209943459-G-A. GRCh37 (hg19) VCF-style: chr2-210808183-G-A.
Other names: c.6797G>A, p.Arg2266Gln (NM_032504.2); c.6782G>A, p.Arg2261Gln (NM_182587.4); short protein forms R2261Q, R2332Q, R2266Q.
Identifiers: ClinVar variation 1378293 (VCV001378293.6), dbSNP rs2124981635, ClinGen allele CA350773522.
Genomic context (GRCh38, chr2:209,943,459, plus strand): 5'-GCAATCCCCAGCTGCGTCAAGCCATCGAATTTGCCTGTCACCAGTTCTATATTCTACACC[G>A]GAAGCCCTTTGTGCTCCAGCTGTTTGCTAGTGTGGCCCCTCTCCTGGAATTTCCTGTAAG-3'
Protein context (NP_001358915.1, residues 2322-2342): FACHQFYILH[Arg2332Gln]KPFVLQLFAS

ClinVar aggregate classification (germline): Uncertain significance (1 of 4 stars; one submission).

Allele frequency attached by ClinVar (database versions not stated): gnomAD exomes below 0.00001.
gnomAD v4.1: 1 of 1,551,966 alleles (0.000064%); highest among the groups gnomAD compares: South Asian, 0.0012%; no homozygotes.

Submission:

Labcorp Genetics (formerly Invitae), Labcorp
Classification: Uncertain significance. Last evaluated: 2022-10-05. Review status: criteria provided, single submitter. Criteria: Invitae Variant Classification Sherloc (09022015). Collection method: clinical testing. Allele origin: germline.
Comment: In summary, the available evidence is currently insufficient to determine the role of this variant in disease. Therefore, it has been classified as a Variant of Uncertain Significance. Algorithms developed to predict the effect of sequence changes on RNA splicing suggest that this variant may create or strengthen a splice site. Advanced modeling of protein sequence and biophysical properties (such as structural, functional, and spatial information, amino acid conservation, physicochemical variation, residue mobility, and thermodynamic stability) performed at Invitae indicates that this missense variant is not expected to disrupt UNC80 protein function. ClinVar contains an entry for this variant (Variation ID: 1378293). This variant has not been reported in the literature in individuals affected with UNC80-related conditions. This variant is not present in population databases (gnomAD no frequency). This sequence change replaces arginine, which is basic and polar, with glutamine, which is neutral and polar, at codon 2266 of the UNC80 protein (p.Arg2266Gln).